The following is an entry in ClinVar:

NM_014908.4(DOLK):c.1393C>T (p.Arg465Cys)

Gene: DOLK (dolichol kinase; minus strand). Cytogenetic location: 9q34.11.
Variant type: single nucleotide variant.
Coding change: c.1393C>T on transcript NM_014908.4 (MANE Select); coding-DNA position 1393, C replaced by T.
Protein change: p.Arg465Cys; replaces arginine 465 with cysteine.
Molecular consequence: missense variant.
Genome position (GRCh38, 1-based): chr9:128,945,911, G>A on the plus strand (C>T on the coding strand, the complement: DOLK is on the minus strand). VCF-style: chr9-128945911-G-A. GRCh37 (hg19) VCF-style: chr9-131708190-G-A.
Other names: short protein forms R465C.
Identifiers: ClinVar variation 2073843 (VCV002073843.4), dbSNP rs780172913, ClinGen allele CA5271574.
Genomic context (GRCh38, chr9:128,945,911, plus strand): 5'-TGATCTGCGCAAATATAGATGTCATGGTCCCCTCAAAAGTCTTTTTGGTTCCAGGCCAGC[G>A]GATCTCCCCCATGGTGCTACCGAAGATGGAGGCCACAGTATCACCCACACCCACAGCCAG-3'
Protein context (NP_055723.1, residues 455-475): SIFGSTMGEI[Arg465Cys]WPGTKKTFEG

ClinVar aggregate classification (germline): Uncertain significance. Review status: criteria provided, multiple submitters, no conflicts (2 of 4 stars). 3 submissions from 3 submitters: Uncertain significance (3). Last evaluated 2024-12-02.

Conditions:
Cardiovascular phenotype. Identifiers: MedGen CN230736.
DK1-congenital disorder of glycosylation. Also called: CONGENITAL DISORDER OF GLYCOSYLATION, TYPE Im; CDG Im; DOLK-congenital disorder of glycosylation; Carbohydrate deficient glycoprotein syndrome type 1m; DK1 DEFICIENCY; DOLICHOL KINASE DEFICIENCY. Identifiers: Orphanet 91131, MedGen C1835849, MONDO:0012556, OMIM 610768.

Allele frequency attached by ClinVar (database versions not stated): gnomAD 0.00001; gnomAD exomes 0.00001; TOPMed 0.00001; ExAC 0.00002.

Submissions (3):

Labcorp Genetics (formerly Invitae), Labcorp
Classification: Uncertain significance for DK1-congenital disorder of glycosylation. Last evaluated: 2024-12-02. Review status: criteria provided, single submitter. Criteria: Invitae Variant Classification Sherloc (09022015). Collection method: clinical testing. Allele origin: germline.
Comment: This sequence change replaces arginine, which is basic and polar, with cysteine, which is neutral and slightly polar, at codon 465 of the DOLK protein (p.Arg465Cys). This variant is present in population databases (rs780172913, gnomAD 0.003%). This variant has not been reported in the literature in individuals affected with DOLK-related conditions. ClinVar contains an entry for this variant (Variation ID: 2073843). Invitae Evidence Modeling of protein sequence and biophysical properties (such as structural, functional, and spatial information, amino acid conservation, physicochemical variation, residue mobility, and thermodynamic stability) indicates that this missense variant is expected to disrupt DOLK protein function with a positive predictive value of 80%. In summary, the available evidence is currently insufficient to determine the role of this variant in disease. Therefore, it has been classified as a Variant of Uncertain Significance.

Ambry Genetics
Classification: Uncertain significance for Cardiovascular phenotype. Last evaluated: 2024-07-05. Review status: criteria provided, single submitter. Criteria: Ambry Variant Classification Scheme 2023. Collection method: clinical testing. Allele origin: germline.

GeneDx
Classification: Uncertain significance. Last evaluated: 2024-05-23. Review status: criteria provided, single submitter. Criteria: GeneDx Variant Classification Process June 2021. Collection method: clinical testing. Allele origin: germline. Affected: yes.
Comment: Has not been previously published as pathogenic or benign to our knowledge; Not observed at significant frequency in large population cohorts (gnomAD); In silico analysis supports that this missense variant has a deleterious effect on protein structure/function